The following is an entry in ClinVar:

ClinVar aggregate classification (germline): Pathogenic (1 of 4 stars; one submission).

Conditions:
Hereditary cancer-predisposing syndrome. Also called: Hereditary neoplastic syndrome; Neoplastic Syndromes, Hereditary; Tumor predisposition; Hereditary Cancer Syndrome. Identifiers: Orphanet 140162, MedGen C0027672, MeSH D009386, MONDO:0015356.

Submission:

Ambry Genetics
Classification: Pathogenic for Hereditary cancer-predisposing syndrome. Last evaluated: 2025-02-25. Review status: criteria provided, single submitter. Criteria: Ambry Variant Classification Scheme 2023. Collection method: clinical testing. Allele origin: germline.
Comment: The c.1786delG pathogenic mutation, located in coding exon 9 of the BRCA2 gene, results from a deletion of one nucleotide at nucleotide position 1786, causing a translational frameshift with a predicted alternate stop codon (p.D596Mfs*18). This variant is considered to be rare based on population cohorts in the Genome Aggregation Database (gnomAD). This alteration is expected to result in loss of function by premature protein truncation or nonsense-mediated mRNA decay. As such, this alteration is interpreted as a disease-causing mutation.

NM_000059.4(BRCA2):c.1786del (p.Asp596fs)

Gene: BRCA2 (BRCA2 DNA repair associated; plus strand). Cytogenetic location: 13q13.1.
Variant type: Deletion.
Coding change: c.1786del on transcript NM_000059.4 (MANE Select); coding-DNA position 1786, one base deleted (G; older notation c.1786delG).
Protein change: p.Asp596fs; shifts the reading frame from aspartic acid 596.
Molecular consequence: frameshift variant. On other transcripts: non-coding transcript variant (1), intron variant (1).
Genome position (GRCh38, 1-based): chr13:32,333,264, G deleted. VCF-style (leftmost placement, unchanged base first): chr13-32333263-TG-T. GRCh37 (hg19) VCF-style: chr13-32907400-TG-T.
Other names: c.1786del, p.Asp596fs (NM_001406719.1, NM_001406720.1, NM_001406721.1 and 1 more transcripts); c.424+2234del (NM_001406722.1); short protein forms D596fs.
Identifiers: ClinVar variation 3825456 (VCV003825456.1).